The following is an entry in ClinVar:

NM_003978.5(PSTPIP1):c.1112C>T (p.Thr371Ile)

Gene: PSTPIP1 (proline-serine-threonine phosphatase interacting protein 1; plus strand). Cytogenetic location: 15q24.3.
Variant type: single nucleotide variant.
Coding change: c.1112C>T on transcript NM_003978.5 (MANE Select); coding-DNA position 1112, C replaced by T.
Protein change: p.Thr371Ile; replaces threonine 371 with isoleucine.
Molecular consequence: missense variant. On other transcripts: non-coding transcript variant (1).
Genome position (GRCh38, 1-based): chr15:77,035,928, C>T. VCF-style: chr15-77035928-C-T. GRCh37 (hg19) VCF-style: chr15-77328269-C-T.
Other names: p.Thr371Ile; c.1055C>T, p.Thr352Ile (NM_001321135.2); c.1085C>T, p.Thr362Ile (NM_001321136.2); c.1307C>T, p.Thr436Ile (NM_001321137.1); short protein forms T371I, T352I, T362I, T436I.
Identifiers: ClinVar variation 317185 (VCV000317185.36), dbSNP rs34908107, ClinGen allele CA7676166.

ClinVar aggregate classification (germline): Benign/Likely benign. Review status: criteria provided, multiple submitters, no conflicts (2 of 4 stars). 11 submissions from 11 submitters: Benign (2); Likely benign (7). 2 of the submissions do not count toward it. Last evaluated 2026-05-01.

Conditions:
Autoinflammatory syndrome. Identifiers: Orphanet 93665, MedGen C3890737, MONDO:0019751.
Pyogenic arthritis-pyoderma gangrenosum-acne syndrome (PAPA). Also called: PAPA SYNDROME; FAMILIAL RECURRENT ARTHRITIS. Identifiers: Orphanet 69126, MedGen C1858361, MONDO:0011462, OMIM 604416.

Allele frequency attached by ClinVar (database versions not stated): gnomAD exomes 0.00036 and 0.00087; ExAC 0.00151; ESP Exome Variant Server 0.00294; gnomAD 0.00327 and 0.00355; TOPMed 0.00380; 1000 Genomes Project 0.00419; 1000 Genomes Project 30x 0.00437.
gnomAD v4.1: 1,062 of 1,602,112 alleles (0.066%); highest among the groups gnomAD compares: African/African-American, 1.2%; 5 homozygotes.

Submissions (11):

CeGaT Center for Human Genetics Tuebingen
Classification: Likely benign. Last evaluated: 2026-05-01. Review status: criteria provided, single submitter. Criteria: CeGaT Center For Human Genetics Tuebingen Variant Classification Criteria Version 2. Collection method: clinical testing. Allele origin: germline. Affected: yes. Observed: 1 variant allele.
Comment: PSTPIP1: BP4, BS1

Women's Health and Genetics/Laboratory Corporation of America, LabCorp
Classification: Likely benign. Last evaluated: 2026-03-31. Review status: criteria provided, single submitter. Criteria: LabCorp Variant Classification Summary - May 2015. Collection method: clinical testing. Allele origin: germline.

Labcorp Genetics (formerly Invitae), Labcorp
Classification: Benign for Pyogenic arthritis-pyoderma gangrenosum-acne syndrome. Last evaluated: 2026-01-25. Review status: criteria provided, single submitter. Criteria: Invitae Variant Classification Sherloc (09022015). Collection method: clinical testing. Allele origin: germline.

Mayo Clinic Laboratories, Mayo Clinic
Classification: Likely benign. Last evaluated: 2025-10-23. Review status: criteria provided, single submitter. Criteria: ACMG Guidelines, 2015. Collection method: clinical testing. Allele origin: germline. Observed: 1 variant allele.
Comment: BS2_supporting, BP4_moderate

ARUP Laboratories, Molecular Genetics and Genomics, ARUP Laboratories
Classification: Likely benign. Last evaluated: 2025-03-31. Review status: criteria provided, single submitter. Criteria: ARUP Molecular Germline Variant Investigation Process 2024. Collection method: clinical testing. Allele origin: germline.

Blueprint Genetics
Classification: Likely benign. Last evaluated: 2024-10-02. Review status: criteria provided, single submitter. Criteria: ACMG Guidelines, 2015. Collection method: clinical testing. Allele origin: germline.

Genome Diagnostics Laboratory, The Hospital for Sick Children
Classification: Likely benign for Autoinflammatory syndrome. Last evaluated: 2022-04-19. Review status: criteria provided, single submitter. Criteria: ACMG Guidelines, 2015. Collection method: clinical testing. Allele origin: germline. Affected: yes.

GeneDx
Classification: Likely benign. Last evaluated: 2021-04-27. Review status: criteria provided, single submitter. Criteria: GeneDx Variant Classification Process June 2021. Collection method: clinical testing. Allele origin: germline. Affected: yes.

Illumina Laboratory Services, Illumina
Classification: Benign for Pyogenic arthritis-pyoderma gangrenosum-acne syndrome. Last evaluated: 2018-01-12. Review status: criteria provided, single submitter. Criteria: ICSL Variant Classification Criteria 13 December 2019. Collection method: clinical testing. Allele origin: germline.
Comment: This variant was observed in the ICSL laboratory as part of a predisposition screen in an ostensibly healthy population. It had not been previously curated by ICSL or reported in the Human Gene Mutation Database (HGMD: prior to June 1st, 2018), and was therefore a candidate for classification through an automated scoring system. Utilizing variant allele frequency, disease prevalence and penetrance estimates, and inheritance mode, an automated score was calculated to assess if this variant is too frequent to cause the disease. Based on the score and internal cut-off values, a variant classified as benign is not then subjected to further curation. The score for this variant resulted in a classification of benign for this disease.

Clinical Genetics DNA and cytogenetics Diagnostics Lab, Erasmus MC, Erasmus Medical Center
Classification: Benign. Review status: no assertion criteria provided. Collection method: clinical testing. Allele origin: germline. Affected: yes. Study: VKGL Data-share Consensus. Not counted in ClinVar's aggregate classification.

Genome Diagnostics Laboratory, University Medical Center Utrecht
Classification: Likely benign. Review status: no assertion criteria provided. Collection method: clinical testing. Allele origin: germline. Affected: yes. Study: VKGL Data-share Consensus. Not counted in ClinVar's aggregate classification.

Literature cited by the submitters: PubMed 37013170 (cited by Mayo Clinic Laboratories, Mayo Clinic).